The following is an entry in ClinVar:

ClinVar aggregate classification (germline): Likely benign (1 of 4 stars; one submission).

Allele frequency attached by ClinVar (database versions not stated): gnomAD 0.00841 and 0.00876; 1000 Genomes Project 30x 0.00968; TOPMed 0.00972; 1000 Genomes Project 0.00998.

Submission:

GeneDx
Classification: Likely benign. Last evaluated: 2018-06-16. Review status: criteria provided, single submitter. Criteria: GeneDx Variant Classification (06012015). Collection method: clinical testing. Allele origin: germline. Affected: yes.
Comment: This variant is considered likely benign or benign based on one or more of the following criteria: it is a conservative change, it occurs at a poorly conserved position in the protein, it is predicted to be benign by multiple in silico algorithms, and/or has population frequency not consistent with disease.

NM_000289.6(PFKM):c.593+255T>C

Gene: PFKM (phosphofructokinase, muscle; plus strand). Cytogenetic location: 12q13.11.
Variant type: single nucleotide variant.
Coding change: c.593+255T>C on transcript NM_000289.6 (MANE Select); 255 bases into the intron after coding-DNA position 593, T replaced by C.
Molecular consequence: intron variant.
Genome position (GRCh38, 1-based): chr12:48,133,735, T>C. VCF-style: chr12-48133735-T-C. GRCh37 (hg19) VCF-style: chr12-48527518-T-C.
Other names: c.617+255T>C (NM_001354741.2); c.593+255T>C (NM_001354742.2, NM_001354743.2, NM_001354744.2 and 4 more transcripts); c.443+255T>C (NM_001354747.2, NM_001354748.2); c.806+255T>C (NM_001166686.2, NM_001354737.1, NM_001354739.1 and 1 more transcripts); c.902+255T>C (NM_001354736.1, NM_001354735.1); c.737+255T>C (NM_001354740.1); c.506+255T>C (NM_001354745.2).
Identifiers: ClinVar variation 673426 (VCV000673426.1), dbSNP rs147992657, ClinGen allele CA236510540.